The following is an entry in ClinVar:

NM_004172.5(SLC1A3):c.1156G>A (p.Val386Ile)

Genes: SLC1A3 (solute carrier family 1 member 3; plus strand), SLC1A3-AS1 (SLC1A3 antisense RNA 1; minus strand). Cytogenetic location: 5p13.2.
Variant type: single nucleotide variant.
Coding change: c.1156G>A on transcript NM_004172.5 (MANE Select); coding-DNA position 1156, G replaced by A.
Protein change: p.Val386Ile; replaces valine 386 with isoleucine.
Molecular consequence: missense variant.
Genome position (GRCh38, 1-based): chr5:36,680,456, G>A. VCF-style: chr5-36680456-G-A. GRCh37 (hg19) VCF-style: chr5-36680558-G-A.
Other names: c.1156G>A, p.Val386Ile (NM_001166695.3); c.1018G>A, p.Val340Ile (NM_001289939.2); c.820G>A, p.Val274Ile (NM_001289940.2); short protein forms V340I, V274I, V386I.
Identifiers: ClinVar variation 3571559 (VCV003571559.2).

ClinVar aggregate classification (germline): Uncertain significance. Review status: criteria provided, multiple submitters, no conflicts (2 of 4 stars). 2 submissions from 2 submitters: Uncertain significance (2). Last evaluated 2025-06-30.

gnomAD v4.1: 140 of 1,614,170 alleles (0.0087%); highest among the groups gnomAD compares: African/African-American, 0.011%; no homozygotes.

Submissions (2):

Labcorp Genetics (formerly Invitae), Labcorp
Classification: Uncertain significance. Last evaluated: 2025-06-30. Review status: criteria provided, single submitter. Criteria: Invitae Variant Classification Sherloc (09022015). Collection method: clinical testing. Allele origin: germline.
Comment: This sequence change replaces valine, which is neutral and non-polar, with isoleucine, which is neutral and non-polar, at codon 386 of the SLC1A3 protein (p.Val386Ile). The frequency data for this variant in the population databases is considered unreliable, as metrics indicate poor data quality at this position in the gnomAD database. This variant has not been reported in the literature in individuals affected with SLC1A3-related conditions. ClinVar contains an entry for this variant (Variation ID: 3571559). Invitae Evidence Modeling of protein sequence and biophysical properties (such as structural, functional, and spatial information, amino acid conservation, physicochemical variation, residue mobility, and thermodynamic stability) indicates that this missense variant is not expected to disrupt SLC1A3 protein function with a negative predictive value of 80%. In summary, the available evidence is currently insufficient to determine the role of this variant in disease. Therefore, it has been classified as a Variant of Uncertain Significance.

Athena Diagnostics
Classification: Uncertain significance. Last evaluated: 2023-10-20. Review status: criteria provided, single submitter. Criteria: Athena Diagnostics Criteria. Collection method: clinical testing. Allele origin: unknown.
Comment: Available data are insufficient to determine the clinical significance of the variant at this time. The frequency of this variant in the general population is higher than would generally be expected for pathogenic variants in this gene. Computational tools predict that this variant is not damaging.